The following is an entry in ClinVar:

NM_014629.4(ARHGEF10):c.4032A>G (p.Ile1344Met)

Gene: ARHGEF10 (Rho guanine nucleotide exchange factor 10; plus strand). Cytogenetic location: 8p23.3.
Variant type: single nucleotide variant.
Coding change: c.4032A>G on transcript NM_014629.4 (MANE Select); coding-DNA position 4032, A replaced by G.
Protein change: p.Ile1344Met; replaces isoleucine 1344 with methionine.
Molecular consequence: missense variant.
Genome position (GRCh38, 1-based): chr8:1,957,260, A>G. VCF-style: chr8-1957260-A-G. GRCh37 (hg19) VCF-style: chr8-1905426-A-G.
Other names: c.3918A>G, p.Ile1306Met (NM_001308152.2); c.4032A>G, p.Ile1344Met (NM_001308153.3); short protein forms I1306M, I1344M, I1368M.
Identifiers: ClinVar variation 1012590 (VCV001012590.46), dbSNP rs139457662, ClinGen allele CA4601563.

ClinVar aggregate classification (germline): Conflicting classifications of pathogenicity. Review status: criteria provided, conflicting classifications (1 of 4 stars). 3 submissions from 3 submitters: Uncertain significance (2); Likely benign (1). Last evaluated 2024-11-05.

Allele frequency attached by ClinVar (database versions not stated): ExAC 0.00010; TOPMed 0.00011; gnomAD exomes 0.00012; gnomAD 0.00013 and 0.00014; 1000 Genomes Project 30x 0.00016; 1000 Genomes Project 0.00020; ESP Exome Variant Server 0.00024.
gnomAD v4.1: 319 of 1,609,604 alleles (0.02%); highest among the groups gnomAD compares: Non-Finnish European, 0.026%; no homozygotes.

Submissions (3):

Blueprint Genetics
Classification: Likely benign. Last evaluated: 2024-11-05. Review status: criteria provided, single submitter. Criteria: ACMG Guidelines, 2015. Collection method: clinical testing. Allele origin: germline.

Labcorp Genetics (formerly Invitae), Labcorp
Classification: Uncertain significance. Last evaluated: 2024-05-21. Review status: criteria provided, single submitter. Criteria: Invitae Variant Classification Sherloc (09022015). Collection method: clinical testing. Allele origin: germline.
Comment: This sequence change replaces isoleucine, which is neutral and non-polar, with methionine, which is neutral and non-polar, at codon 1344 of the ARHGEF10 protein (p.Ile1344Met). This variant is present in population databases (rs139457662, gnomAD 0.02%). This variant has not been reported in the literature in individuals affected with ARHGEF10-related conditions. ClinVar contains an entry for this variant (Variation ID: 1012590). Algorithms developed to predict the effect of missense changes on protein structure and function output the following: SIFT: "Not Available"; PolyPhen-2: "Benign"; Align-GVGD: "Not Available". The methionine amino acid residue is found in multiple mammalian species, which suggests that this missense change does not adversely affect protein function. Algorithms developed to predict the effect of sequence changes on RNA splicing suggest that this variant may create or strengthen a splice site. In summary, the available evidence is currently insufficient to determine the role of this variant in disease. Therefore, it has been classified as a Variant of Uncertain Significance.

CeGaT Center for Human Genetics Tuebingen
Classification: Uncertain significance. Last evaluated: 2020-09-01. Review status: criteria provided, single submitter. Criteria: CeGaT Center For Human Genetics Tuebingen Variant Classification Criteria Version 2. Collection method: clinical testing. Allele origin: germline. Affected: yes. Observed: 1 variant allele.